The following is an entry in ClinVar:

NM_001323289.2(CDKL5):c.383del (p.Lys128fs)

Gene: CDKL5 (cyclin dependent kinase like 5; plus strand). Cytogenetic location: Xp22.13.
Variant type: Deletion.
Coding change: c.383del on transcript NM_001323289.2 (MANE Select); coding-DNA position 383, one base deleted (A; older notation c.383delA).
Protein change: p.Lys128fs; shifts the reading frame from lysine 128.
Molecular consequence: frameshift variant.
Genome position (GRCh38, 1-based): chrX:18,579,948, A deleted; the last of 2 consecutive A bases (chrX:18,579,947-18,579,948); deleting either gives the same sequence. VCF-style (leftmost placement, unchanged base first): chrX-18579946-TA-T. GRCh37 (hg19) VCF-style: chrX-18598066-TA-T.
Other names: c.383del, p.Lys128fs (NM_001037343.2, NM_003159.3); c.383delA (NM_003159.2); short protein forms K128fs.
Identifiers: ClinVar variation 817775 (VCV000817775.1), dbSNP rs1602271715, ClinGen allele CA915950759.

ClinVar aggregate classification (germline): Pathogenic (1 of 4 stars; one submission).

Submission:

GeneDx
Classification: Pathogenic. Last evaluated: 2018-08-23. Review status: criteria provided, single submitter. Criteria: GeneDx Variant Classification (06012015). Collection method: clinical testing. Allele origin: germline. Affected: yes.
Comment: The c.383delA variant in the CDKL5 gene has not been reported previously as a pathogenic variant nor as a benign variant, to our knowledge. The c.383delA variant causes a frameshift starting with codon Lysine 128, changes this amino acid to an Arginine residue, and creates a premature Stop codon at position 9 of the new reading frame, denoted p.Lys128ArgfsX9. This variant is predicted to cause loss of normal protein function either through protein truncation or nonsense-mediated mRNA decay. The c.383delA variant is not observed in large population cohorts (Lek et al., 2016). We interpret c.383delA as a pathogenic variant.